The following is an entry in ClinVar:

ClinVar aggregate classification (germline): Likely benign (1 of 4 stars; one submission).

Conditions:
Familial isolated arrhythmogenic right ventricular dysplasia. Identifiers: Orphanet 217656, MedGen C4274968, MONDO:0016342.

Submission:

All of Us Research Program, National Institutes of Health
Classification: Likely benign for Familial isolated arrhythmogenic right ventricular dysplasia. Last evaluated: 2024-03-24. Review status: criteria provided, single submitter. Criteria: ACMG Guidelines, 2015. Collection method: clinical testing. Allele origin: germline. Inheritance: Autosomal dominant inheritance. Observed: 1 variant allele, 1 heterozygote.
Comment: This study involves interpretation of variants in research participants for the purpose of population health screening. Participant phenotype was not available at the time of variant classification. Additional details can be found in publication PMID: 35346344, PMCID: PMC8962531

NM_024422.6(DSC2):c.2667C>T (p.Pro889=)

Gene: DSC2 (desmocollin 2; minus strand). Cytogenetic location: 18q12.1.
Variant type: single nucleotide variant.
Coding change: c.2667C>T on transcript NM_024422.6 (MANE Select); coding-DNA position 2667, C replaced by T.
Protein change: p.Pro889=; no amino-acid change (proline 889 retained).
Molecular consequence: synonymous variant. On other transcripts: 3 prime UTR variant (2).
Genome position (GRCh38, 1-based): chr18:31,068,054, G>A on the plus strand (C>T on the coding strand, the complement: DSC2 is on the minus strand). VCF-style: chr18-31068054-G-A. GRCh37 (hg19) VCF-style: chr18-28648020-G-A.
Other names: c.2238C>T, p.Pro746= (NM_001406506.1); c.*169C>T (NM_001406507.1, NM_004949.5).
Identifiers: ClinVar variation 3386506 (VCV003386506.1).